The following is an entry in ClinVar:

NM_001754.5(RUNX1):c.509-18T>C

Genes: RUNX1 (RUNX family transcription factor 1; minus strand), RUNX1-AS1 (RUNX1 antisense RNA 1; plus strand). Cytogenetic location: 21q22.12.
Variant type: single nucleotide variant.
Coding change: c.509-18T>C on transcript NM_001754.5 (MANE Select); 18 bases into the intron before coding-DNA position 509, T replaced by C.
Molecular consequence: intron variant.
Genome position (GRCh38, 1-based): chr21:34,859,596, A>G on the plus strand (T>C on the coding strand, the complement: RUNX1 is on the minus strand). VCF-style: chr21-34859596-A-G. GRCh37 (hg19) VCF-style: chr21-36231893-A-G.
Other names: c.428-18T>C (NM_001001890.3, NM_001122607.2).
Identifiers: ClinVar variation 1534186 (VCV001534186.9), dbSNP rs879084418, ClinGen allele CA320618036.

ClinVar aggregate classification (germline): Likely benign. Review status: reviewed by expert panel (3 of 4 stars). 2 submissions from 2 submitters: Likely benign (1). 1 of the submissions does not count toward it. Last evaluated 2024-09-18.

Conditions:
Hereditary thrombocytopenia and hematologic cancer predisposition syndrome. Identifiers: Orphanet 71290, MedGen CN281654, MONDO:0011071.
Hereditary thrombocytopenia and hematological cancer predisposition syndrome associated with RUNX1. Also called: RUNX1 Familial Platelet Disorder with Associated Myeloid Malignancies; Familial Platelet Disorder with Propensity to Acute Myelogenous Leukemia; Familial thrombocytopenia with propensity to acute myelogenous leukemia; PLATELET DISORDER, ASPIRIN-LIKE. Identifiers: Orphanet 71290, MedGen C1832388, MeSH C563324, MONDO:0100083, OMIM 601399.

Allele frequency attached by ClinVar (database versions not stated): gnomAD exomes below 0.00001.
gnomAD v4.1: 1 of 1,575,190 alleles (0.000063%); highest among the groups gnomAD compares: Admixed American, 0.0017%; no homozygotes.

Submissions (2):

ClinGen Myeloid Malignancy Variant Curation Expert Panel
Classification: Likely benign for Hereditary thrombocytopenia and hematologic cancer predisposition syndrome. Last evaluated: 2024-09-18. Review status: reviewed by expert panel. Criteria: ClinGen MyeloMalig ACMG Specifications v2. Collection method: curation. Allele origin: germline. Inheritance: Autosomal dominant inheritance.
Comment: NM_001754.5(RUNX1):c.509-18T>C is an intronic variant which has a SpliceAI score ≤ 0.20 (Donor Loss 0.01) (BP4). This variant has a SpliceAI score ≤ 0.20 (Donor Loss 0.01) and evolutionary conservation algorithms predict the site as being not conserved (PhyloP score ≤ 2.0 (0.75)) (BP7). This variant is completely absent from all population databases with at least 20x coverage for RUNX1 (PM2_Supporting). In summary, this variant meets criteria to be classified as likely benign. ACMG/AMP criteria applied, as specified by the Myeloid Malignancy Variant Curation Expert Panel for RUNX1: BP4, BP7, PM2_supporting.

Labcorp Genetics (formerly Invitae), Labcorp
Classification: Likely benign for Hereditary thrombocytopenia and hematological cancer predisposition syndrome associated with RUNX1. Last evaluated: 2025-09-03. Review status: criteria provided, single submitter. Criteria: Invitae Variant Classification Sherloc (09022015). Collection method: clinical testing. Allele origin: germline. Not counted in ClinVar's aggregate classification.